The following is an entry in ClinVar:

ClinVar aggregate classification (germline): Conflicting classifications of pathogenicity. Review status: criteria provided, conflicting classifications (1 of 4 stars). 15 submissions from 15 submitters: Uncertain significance (11); Likely benign (1). 3 of the submissions do not count toward it. Last evaluated 2026-01-11.

Conditions:
Hereditary cancer-predisposing syndrome. Also called: Neoplastic Syndromes, Hereditary; Hereditary Cancer Syndrome; Tumor predisposition; Hereditary neoplastic syndrome. Identifiers: Orphanet 140162, MedGen C0027672, MeSH D009386, MONDO:0015356.
Familial cancer of breast. Also called: BREAST CANCER, FAMILIAL; hereditary breast carcinoma; Hereditary breast cancer. Identifiers: Orphanet 227535, MedGen C0346153, MONDO:0016419, OMIM 114480. Disease mechanism: loss of function.
Ataxia-telangiectasia syndrome (AT). Also called: Ataxia-telangiectasia, complementation group D; AT, COMPLEMENTATION GROUP C; Ataxia-telangiectasia; ATAXIA-TELANGIECTASIA, COMPLEMENTATION GROUP A; ATAXIA-TELANGIECTASIA, FRESNO VARIANT; Ataxia-telangiectasia, complementation group E. Identifiers: Orphanet 100, MedGen C0004135, MONDO:0008840, OMIM 208900.

Allele frequency attached by ClinVar (database versions not stated): gnomAD exomes 0.00001; gnomAD 0.00001; ESP Exome Variant Server 0.00008; ExAC 0.00002; TOPMed 0.00002.
gnomAD v4.1: 22 of 1,613,444 alleles (0.0014%); highest among the groups gnomAD compares: East Asian, 0.0022%; no homozygotes.

Submissions (15):

Labcorp Genetics (formerly Invitae), Labcorp
Classification: Uncertain significance for Ataxia-telangiectasia syndrome. Last evaluated: 2026-01-11. Review status: criteria provided, single submitter. Criteria: Invitae Variant Classification Sherloc (09022015). Collection method: clinical testing. Allele origin: germline.
Comment: This sequence change replaces alanine, which is neutral and non-polar, with valine, which is neutral and non-polar, at codon 2325 of the ATM protein (p.Ala2325Val). This variant is present in population databases (rs200940211, gnomAD 0.002%). This missense change has been observed in individual(s) with breast cancer and with clinical features of Lynch syndrome (PMID: 25186627, 25980754, 26689913, 32068069). ClinVar contains an entry for this variant (Variation ID: 127431). An algorithm developed to predict the effect of missense changes on protein structure and function (PolyPhen-2) suggests that this variant is likely to be tolerated. RNA analysis performed to evaluate the impact of this missense change on mRNA splicing indicates it does not significantly alter splicing (internal data). In summary, the available evidence is currently insufficient to determine the role of this variant in disease. Therefore, it has been classified as a Variant of Uncertain Significance.

Institute for Biomarker Research, Medical Diagnostic Laboratories, L.L.C.
Classification: Uncertain significance for Hereditary cancer-predisposing syndrome. Last evaluated: 2025-03-27. Review status: criteria provided, single submitter. Criteria: ACMG Guidelines, 2015. Collection method: clinical testing. Allele origin: germline.
Comment: The missense variant NM_000051.4(ATM):c.6974C>T (p.Ala2325Val) has not been reported previously as a pathogenic variant, to our knowledge. There is a small physicochemical difference between alanine and valine, which is not likely to impact secondary protein structure as these residues share similar properties. The gene ATM has a low rate of benign missense variation as indicated by a high missense variants Z-Score of 2.52. The gene ATM contains 173 pathogenic missense variants, indicating that missense variants are a common mechanism of disease in this gene. For these reasons, this variant has been classified as Uncertain Significance

Center for Genomic Medicine, Rigshospitalet, Copenhagen University Hospital
Classification: Uncertain significance. Last evaluated: 2025-03-04. Review status: criteria provided, single submitter. Criteria: ACMG Guidelines, 2015. Collection method: clinical testing. Allele origin: germline.

Women's Health and Genetics/Laboratory Corporation of America, LabCorp
Classification: Uncertain significance. Last evaluated: 2025-02-13. Review status: criteria provided, single submitter. Criteria: LabCorp Variant Classification Summary - May 2015. Collection method: clinical testing. Allele origin: germline.
Comment: Variant summary: ATM c.6974C>T (p.Ala2325Val) results in a non-conservative amino acid change in the encoded protein sequence. Three of four in-silico tools predict a benign effect of the variant on protein function. Consensus agreement among computation tools predict no significant impact on normal splicing. However, these predictions have yet to be confirmed by functional studies. The variant allele was found at a frequency of 8e-06 in 251336 control chromosomes. The available data on variant occurrences in the general population are insufficient to allow any conclusion about variant significance. c.6974C>T has been reported in the literature in individuals affected with breast Cancer/colorectal cancer in settings of multigene cancer panel testing (Kwong_2020, Yurgelun_2015). These report(s) do not provide unequivocal conclusions about association of the variant with Breast Cancer/Ataxia Telangiectasia. These report(s) do not provide unequivocal conclusions about association of the variant with Breast Cancer. To our knowledge, no experimental evidence demonstrating an impact on protein function has been reported. The following publications have been ascertained in the context of this evaluation (PMID: 25980754, 25186627, 32068069). ClinVar contains an entry for this variant (Variation ID: 127431). Based on the evidence outlined above, the variant was classified as uncertain significance.

Color Diagnostics, LLC DBA Color Health
Classification: Uncertain significance for Hereditary cancer-predisposing syndrome. Last evaluated: 2025-02-10. Review status: criteria provided, single submitter. Criteria: ACMG Guidelines, 2015. Collection method: clinical testing. Allele origin: germline.
Comment: This missense variant replaces alanine with valine at codon 2325 of the ATM protein. Computational prediction suggests that this variant may not impact protein structure and function. To our knowledge, functional studies have not been reported for this variant. This variant has been reported in individuals affected with breast and/or ovarian cancer (PMID: 25186627, 32068069) and in an individual affected with Lynch syndrome-associated cancer and/or polyps (PMID: 25980754). In a large international case-control study, this variant was reported in 8/60466 breast cancer cases and 7/53461 controls (OR=1.01, 95%CI 0.366 to 2.787; PMID: 33471991). This variant has been identified in 3/282678 chromosomes in the general population by the Genome Aggregation Database (gnomAD). The available evidence is insufficient to determine the role of this variant in disease conclusively. Therefore, this variant is classified as a Variant of Uncertain Significance.

KCCC/NGS Laboratory, Kuwait Cancer Control Center
Classification: Uncertain significance for Familial cancer of breast. Last evaluated: 2024-12-16. Review status: criteria provided, single submitter. Criteria: ACMG Guidelines, 2015. Collection method: clinical testing. Allele origin: germline. Inheritance: Autosomal dominant inheritance. Affected: yes. Observed: 1 heterozygote.
Comment: This sequence change replaces alanine, which is neutral and non-polar, with valine, which is neutral and non-polar, at codon 2325 of the ATM protein (p.Ala2325Val).This amino acid position is poorly conserved. This variant is present in population databases (rs200940211, gnomAD 0.002%). This missense change has been observed in individual(s) with breast cancer and with clinical features of Lynch syndrome (PMID: 25186627, 25980754, 32068069). ClinVar contains an entry for this variant (Variation ID: 127431). In addition, this alteration is predicted to be tolerated by in silico analysis.. In summary, the available evidence is currently insufficient to determine the role of this variant in disease. Therefore, it has been classified as a Variant of Uncertain Significance.

Ambry Genetics
Classification: Likely benign for Hereditary cancer-predisposing syndrome. Last evaluated: 2024-12-09. Review status: criteria provided, single submitter. Criteria: Ambry Variant Classification Scheme 2023. Collection method: clinical testing. Allele origin: germline.

Quest Diagnostics Nichols Institute San Juan Capistrano
Classification: Uncertain significance. Last evaluated: 2024-05-07. Review status: criteria provided, single submitter. Criteria: Quest Diagnostics criteria. Collection method: clinical testing. Allele origin: unknown.

Baylor Genetics
Classification: Uncertain significance for Familial cancer of breast. Last evaluated: 2024-03-27. Review status: criteria provided, single submitter. Criteria: ACMG Guidelines, 2015. Collection method: clinical testing. Allele origin: unknown.

GeneDx
Classification: Uncertain significance. Last evaluated: 2024-02-11. Review status: criteria provided, single submitter. Criteria: GeneDx Variant Classification Process June 2021. Collection method: clinical testing. Allele origin: germline. Affected: yes.
Comment: Not observed at significant frequency in large population cohorts (gnomAD); In silico analysis supports that this missense variant does not alter protein structure/function; Observed in individuals with breast cancer and in at least one individual with a Lynch-syndrome associated cancer and/or polyps (PMID: 26689913, 25186627, 25980754, 32068069); This variant is associated with the following publications: (PMID: 25980754, 24651015, 25186627, 28652578, 32068069, 23532176, 26689913)

Fulgent Genetics
Classification: Uncertain significance for Familial cancer of breast; Ataxia-telangiectasia syndrome. Last evaluated: 2022-05-16. Review status: criteria provided, single submitter. Criteria: ACMG Guidelines, 2015. Collection method: clinical testing. Allele origin: unknown.

Mendelics
Classification: Uncertain significance for Ataxia-telangiectasia syndrome. Last evaluated: 2018-07-02. Review status: criteria provided, single submitter. Criteria: Mendelics Assertion Criteria 2017. Collection method: clinical testing. Allele origin: unknown.

Genetic Services Laboratory, University of Chicago
Classification: Uncertain significance. Last evaluated: 2022-06-13. Review status: no assertion criteria provided. Collection method: clinical testing. Allele origin: germline. Affected: no. Not counted in ClinVar's aggregate classification.
Comment: DNA sequence analysis of the ATM gene demonstrated a sequence change, c.6974C>T, in exon 47 that results in an amino acid change, p.Ala2325Val. This sequence change does not appear to have been previously described in individuals with ATM-related disorders. This sequence change has been described in the gnomAD database with a frequency of 0.0011% in the overall population (dbSNP rs200940211). The p.Ala2325Val change affects a poorly conserved amino acid residue located in a domain of the ATM protein that is known to be functional. The p.Ala2325Val substitution appears to be benign/possibly benign using several in-silico pathogenicity prediction tools (SIFT, PolyPhen2, Align GVGD, REVEL). Due to insufficient evidences and the lack of functional studies, the clinical significance of the p.Ala2325Val change remains unknown at this time.

Natera, Inc.
Classification: Uncertain significance for Ataxia-telangiectasia. Last evaluated: 2020-09-16. Review status: no assertion criteria provided. Collection method: clinical testing. Allele origin: germline. Not counted in ClinVar's aggregate classification.

True Health Diagnostics
Classification: Uncertain significance for Hereditary cancer-predisposing syndrome. Last evaluated: 2018-02-01. Review status: no assertion criteria provided. Collection method: clinical testing. Allele origin: germline. Not counted in ClinVar's aggregate classification.

Literature cited by the submitters: PubMed 25186627 (cited by 3 submitters); PubMed 25980754 (cited by 4 submitters); PubMed 26689913 (cited by Labcorp Genetics (formerly Invitae), Labcorp and Quest Diagnostics Nichols Institute San Juan Capistrano); PubMed 32068069 (cited by 4 submitters).

NM_000051.4(ATM):c.6974C>T (p.Ala2325Val)

Genes: ATM (ATM serine/threonine kinase; plus strand), C11orf65 (chromosome 11 open reading frame 65; minus strand). Cytogenetic location: 11q22.3.
Variant type: single nucleotide variant.
Coding change: c.6974C>T on transcript NM_000051.4 (MANE Select); coding-DNA position 6974, C replaced by T.
Protein change: p.Ala2325Val; replaces alanine 2325 with valine.
Molecular consequence: missense variant. On other transcripts: intron variant (2).
Genome position (GRCh38, 1-based): chr11:108,326,224, C>T. VCF-style: chr11-108326224-C-T. GRCh37 (hg19) VCF-style: chr11-108196951-C-T.
Other names: p.A2325V:GCG>GTG; c.6974C>T, p.Ala2325Val (NM_001351834.2); c.641-17153G>A (NM_001330368.2); c.*38+8996G>A (NM_001351110.2); short protein forms A2325V.
Identifiers: ClinVar variation 127431 (VCV000127431.39), dbSNP rs200940211, ClinGen allele CA286950.